The following is an entry in ClinVar:

ClinVar aggregate classification (germline): Uncertain significance (1 of 4 stars; one submission).

Conditions:
Emery-Dreifuss muscular dystrophy 4, autosomal dominant (EDMD4). Also called: EMERY-DREIFUSS MUSCULAR DYSTROPHY 4 WITH VARIABLE FEATURES. Identifiers: Orphanet 261, MedGen C2751807, MONDO:0013071, OMIM 612998.
Autosomal recessive ataxia, Beauce type. Also called: SYNE1 Deficiency; Spinocerebellar ataxia, autosomal recessive 8; ATAXIA, RECESSIVE, OF BEAUCE; SYNE1-Related Autosomal Recessive Cerebellar Ataxia. Identifiers: Orphanet 88644, MedGen C1853116, MONDO:0012549, OMIM 610743.

Submission:

Labcorp Genetics (formerly Invitae), Labcorp
Classification: Uncertain significance for Emery-Dreifuss muscular dystrophy 4, autosomal dominant; Autosomal recessive ataxia, Beauce type. Last evaluated: 2022-03-22. Review status: criteria provided, single submitter. Criteria: Invitae Variant Classification Sherloc (09022015). Collection method: clinical testing. Allele origin: germline.
Comment: In summary, the available evidence is currently insufficient to determine the role of this variant in disease. Therefore, it has been classified as a Variant of Uncertain Significance. Algorithms developed to predict the effect of missense changes on protein structure and function are either unavailable or do not agree on the potential impact of this missense change (SIFT: "Deleterious"; PolyPhen-2: "Benign"; Align-GVGD: "Class C0"). This variant has not been reported in the literature in individuals affected with SYNE1-related conditions. This variant is not present in population databases (gnomAD no frequency). This sequence change replaces valine, which is neutral and non-polar, with methionine, which is neutral and non-polar, at codon 1770 of the SYNE1 protein (p.Val1770Met).

NM_182961.4(SYNE1):c.5287G>A (p.Val1763Met)

Gene: SYNE1 (spectrin repeat containing nuclear envelope protein 1; minus strand). Cytogenetic location: 6q25.2.
Variant type: single nucleotide variant.
Coding change: c.5287G>A on transcript NM_182961.4 (MANE Select); coding-DNA position 5287, G replaced by A.
Protein change: p.Val1763Met; replaces valine 1763 with methionine.
Molecular consequence: missense variant.
Genome position (GRCh38, 1-based): chr6:152,419,703, C>T on the plus strand (G>A on the coding strand, the complement: SYNE1 is on the minus strand). VCF-style: chr6-152419703-C-T. GRCh37 (hg19) VCF-style: chr6-152740838-C-T.
Other names: c.5308G>A, p.Val1770Met (NM_033071.5); short protein forms V1763M, V1770M.
Identifiers: ClinVar variation 2112978 (VCV002112978.4), dbSNP rs2497289353, ClinGen allele CA366136414.